The following is an entry in ClinVar:

NM_001458.5(FLNC):c.6352C>T (p.His2118Tyr)

Genes: FLNC (filamin C; plus strand), FLNC-AS1 (FLNC antisense RNA 1; minus strand). Cytogenetic location: 7q32.1.
Variant type: single nucleotide variant.
Coding change: c.6352C>T on transcript NM_001458.5 (MANE Select); coding-DNA position 6352, C replaced by T.
Protein change: p.His2118Tyr; replaces histidine 2118 with tyrosine.
Molecular consequence: missense variant.
Genome position (GRCh38, 1-based): chr7:128,853,612, C>T. VCF-style: chr7-128853612-C-T. GRCh37 (hg19) VCF-style: chr7-128493666-C-T.
Other names: c.6253C>T, p.His2085Tyr (NM_001127487.2); short protein forms H2085Y, H2118Y.
Identifiers: ClinVar variation 3758965 (VCV003758965.2).

ClinVar aggregate classification (germline): Uncertain significance (1 of 4 stars; one submission).

Conditions:
Distal myopathy with posterior leg and anterior hand involvement. Also called: WILLIAMS DISTAL MYOPATHY. Identifiers: Orphanet 63273, MedGen C3279722, MONDO:0013550, OMIM 614065.
Hypertrophic cardiomyopathy 26. Also called: Cardiomyopathy, familial hypertrophic, 26. Identifiers: Orphanet 75249, MedGen C4310749, MONDO:0014883, OMIM 617047.
Myofibrillar myopathy 5. Also called: Filaminopathy (type); FILAMINOPATHY, AUTOSOMAL DOMINANT. Identifiers: Orphanet 171445, MedGen C1836050, MONDO:0012289, OMIM 609524.

Submission:

Labcorp Genetics (formerly Invitae), Labcorp
Classification: Uncertain significance for Distal myopathy with posterior leg and anterior hand involvement; Myofibrillar myopathy 5; Hypertrophic cardiomyopathy 26. Last evaluated: 2024-12-17. Review status: criteria provided, single submitter. Criteria: Invitae Variant Classification Sherloc (09022015). Collection method: clinical testing. Allele origin: germline.
Comment: This sequence change replaces histidine, which is basic and polar, with tyrosine, which is neutral and polar, at codon 2118 of the FLNC protein (p.His2118Tyr). This variant is not present in population databases (gnomAD no frequency). This variant has not been reported in the literature in individuals affected with FLNC-related conditions. Invitae Evidence Modeling of protein sequence and biophysical properties (such as structural, functional, and spatial information, amino acid conservation, physicochemical variation, residue mobility, and thermodynamic stability) has been performed for this missense variant. However, the output from this modeling did not meet the statistical confidence thresholds required to predict the impact of this variant on FLNC protein function. Algorithms developed to predict the effect of sequence changes on RNA splicing suggest that this variant may create or strengthen a splice site. In summary, the available evidence is currently insufficient to determine the role of this variant in disease. Therefore, it has been classified as a Variant of Uncertain Significance.